The following is an entry in ClinVar:

ClinVar aggregate classification (germline): Uncertain significance (1 of 4 stars; one submission).

gnomAD v4.1: 4 of 1,612,518 alleles (0.00025%); highest among the groups gnomAD compares: East Asian, 0.0089%; no homozygotes.

Submission:

Labcorp Genetics (formerly Invitae), Labcorp
Classification: Uncertain significance. Last evaluated: 2025-04-22. Review status: criteria provided, single submitter. Criteria: Invitae Variant Classification Sherloc (09022015). Collection method: clinical testing. Allele origin: germline.
Comment: This sequence change replaces histidine, which is basic and polar, with arginine, which is basic and polar, at codon 551 of the HGF protein (p.His551Arg). This variant is present in population databases (rs752861058, gnomAD 0.006%). This variant has not been reported in the literature in individuals affected with HGF-related conditions. An algorithm developed to predict the effect of missense changes on protein structure and function (PolyPhen-2) suggests that this variant is likely to be disruptive. In summary, the available evidence is currently insufficient to determine the role of this variant in disease. Therefore, it has been classified as a Variant of Uncertain Significance.

NM_000601.6(HGF):c.1652A>G (p.His551Arg)

Gene: HGF (hepatocyte growth factor; minus strand). Cytogenetic location: 7q21.11.
Variant type: single nucleotide variant.
Coding change: c.1652A>G on transcript NM_000601.6 (MANE Select); coding-DNA position 1652, A replaced by G.
Protein change: p.His551Arg; replaces histidine 551 with arginine.
Molecular consequence: missense variant.
Genome position (GRCh38, 1-based): chr7:81,706,392, T>C on the plus strand (A>G on the coding strand, the complement: HGF is on the minus strand). VCF-style: chr7-81706392-T-C. GRCh37 (hg19) VCF-style: chr7-81335708-T-C.
Other names: c.1637A>G, p.His546Arg (NM_001010932.3); short protein forms H551R, H546R.
Identifiers: ClinVar variation 4690803 (VCV004690803.1).